The following is an entry in ClinVar:

ClinVar aggregate classification (germline): Uncertain significance. Review status: criteria provided, multiple submitters, no conflicts (2 of 4 stars). 2 submissions from 2 submitters: Uncertain significance (2). Last evaluated 2025-11-01.

Conditions:
Autosomal recessive ataxia, Beauce type. Also called: Spinocerebellar ataxia, autosomal recessive 8; ATAXIA, RECESSIVE, OF BEAUCE; SYNE1-Related Autosomal Recessive Cerebellar Ataxia; SYNE1 Deficiency. Identifiers: Orphanet 88644, MedGen C1853116, MONDO:0012549, OMIM 610743.
Emery-Dreifuss muscular dystrophy 4, autosomal dominant (EDMD4). Also called: EMERY-DREIFUSS MUSCULAR DYSTROPHY 4 WITH VARIABLE FEATURES. Identifiers: Orphanet 261, MedGen C2751807, MONDO:0013071, OMIM 612998.

Allele frequency attached by ClinVar (database versions not stated): gnomAD exomes below 0.00001.
gnomAD v4.1: 5 of 1,614,248 alleles (0.00031%); highest among the groups gnomAD compares: East Asian, 0.0022%; no homozygotes.

Submissions (2):

CeGaT Center for Human Genetics Tuebingen
Classification: Uncertain significance. Last evaluated: 2025-11-01. Review status: criteria provided, single submitter. Criteria: CeGaT Center For Human Genetics Tuebingen Variant Classification Criteria Version 2. Collection method: clinical testing. Allele origin: germline. Affected: yes. Observed: 2 variant alleles.
Comment: SYNE1: PM2, BP4

Labcorp Genetics (formerly Invitae), Labcorp
Classification: Uncertain significance for Emery-Dreifuss muscular dystrophy 4, autosomal dominant; Autosomal recessive ataxia, Beauce type. Last evaluated: 2024-10-22. Review status: criteria provided, single submitter. Criteria: Invitae Variant Classification Sherloc (09022015). Collection method: clinical testing. Allele origin: germline.
Comment: This sequence change replaces aspartic acid, which is acidic and polar, with asparagine, which is neutral and polar, at codon 5210 of the SYNE1 protein (p.Asp5210Asn). This variant is present in population databases (no rsID available, gnomAD 0.006%). This variant has not been reported in the literature in individuals affected with SYNE1-related conditions. ClinVar contains an entry for this variant (Variation ID: 872152). An algorithm developed to predict the effect of missense changes on protein structure and function (PolyPhen-2) suggests that this variant is likely to be tolerated. In summary, the available evidence is currently insufficient to determine the role of this variant in disease. Therefore, it has been classified as a Variant of Uncertain Significance.

NM_182961.4(SYNE1):c.15841G>A (p.Asp5281Asn)

Gene: SYNE1 (spectrin repeat containing nuclear envelope protein 1; minus strand). Cytogenetic location: 6q25.2.
Variant type: single nucleotide variant.
Coding change: c.15841G>A on transcript NM_182961.4 (MANE Select); coding-DNA position 15841, G replaced by A.
Protein change: p.Asp5281Asn; replaces aspartic acid 5281 with asparagine.
Molecular consequence: missense variant.
Genome position (GRCh38, 1-based): chr6:152,323,554, C>T on the plus strand (G>A on the coding strand, the complement: SYNE1 is on the minus strand). VCF-style: chr6-152323554-C-T. GRCh37 (hg19) VCF-style: chr6-152644689-C-T.
Other names: c.15628G>A, p.Asp5210Asn (NM_033071.5); short protein forms D5210N, D5281N.
Identifiers: ClinVar variation 872152 (VCV000872152.47), dbSNP rs1322082202, ClinGen allele CA366089878.